The following is an entry in ClinVar:

ClinVar aggregate classification (germline): Uncertain significance (1 of 4 stars; one submission).

Conditions:
Congenital contractural arachnodactyly (CCA). Also called: Arthrogryposis, distal, type 9; BEALS SYNDROME; Beals-Hecht syndrome. Identifiers: Orphanet 115, MedGen C0220668, MONDO:0007363, OMIM 121050.

gnomAD v4.1: 2 of 1,614,038 alleles (0.00012%); highest among the groups gnomAD compares: Non-Finnish European, 0.00017%; no homozygotes.

Submission:

Labcorp Genetics (formerly Invitae), Labcorp
Classification: Uncertain significance for Congenital contractural arachnodactyly. Last evaluated: 2025-12-29. Review status: criteria provided, single submitter. Criteria: Invitae Variant Classification Sherloc (09022015). Collection method: clinical testing. Allele origin: germline.
Comment: This sequence change replaces aspartic acid, which is acidic and polar, with histidine, which is basic and polar, at codon 1063 of the FBN2 protein (p.Asp1063His). This variant is not present in population databases (gnomAD no frequency). This variant has not been reported in the literature in individuals affected with FBN2-related conditions. ClinVar contains an entry for this variant (Variation ID: 3713381). Invitae Evidence Modeling of protein sequence and biophysical properties (such as structural, functional, and spatial information, amino acid conservation, physicochemical variation, residue mobility, and thermodynamic stability) indicates that this missense variant is expected to disrupt FBN2 protein function with a positive predictive value of 80%. In summary, the available evidence is currently insufficient to determine the role of this variant in disease. Therefore, it has been classified as a Variant of Uncertain Significance.

NM_001999.4(FBN2):c.3187G>C (p.Asp1063His)

Genes: FBN2 (fibrillin 2; minus strand), LOC126807501 (BRD4-independent group 4 enhancer GRCh37_chr5:127680731-127681930; plus strand). Cytogenetic location: 5q23.3.
Variant type: single nucleotide variant.
Coding change: c.3187G>C on transcript NM_001999.4 (MANE Select); coding-DNA position 3187, G replaced by C.
Protein change: p.Asp1063His; replaces aspartic acid 1063 with histidine.
Molecular consequence: missense variant.
Genome position (GRCh38, 1-based): chr5:128,345,387, C>G on the plus strand (G>C on the coding strand, the complement: FBN2 is on the minus strand). VCF-style: chr5-128345387-C-G. GRCh37 (hg19) VCF-style: chr5-127681079-C-G.
Other names: short protein forms D1063H.
Identifiers: ClinVar variation 3713381 (VCV003713381.2).